The following is an entry in ClinVar:

ClinVar aggregate classification (germline): Conflicting classifications of pathogenicity. Review status: criteria provided, conflicting classifications (1 of 4 stars). 2 submissions from 2 submitters: Uncertain significance (1); Likely benign (1). Last evaluated 2022-11-15.

Conditions:
Developmental and epileptic encephalopathy, 14 (DEE14). Also called: Early infantile epileptic encephalopathy 14. Identifiers: Orphanet 293181, MedGen C3554195, MONDO:0013989, OMIM 614959.
Autosomal dominant nocturnal frontal lobe epilepsy 5. Also called: Epilepsy, nocturnal frontal lobe, 5; CILIARY DYSKINESIA, PRIMARY, 28, WITHOUT SITUS INVERSUS; CILIARY DYSKINESIA, PRIMARY, 28, WITH SITUS INVERSUS; KCNT1-Related Epilepsy. Identifiers: Orphanet 98784, MedGen C3554306, MONDO:0014002, OMIM 615005.

Allele frequency attached by ClinVar (database versions not stated): gnomAD exomes 0.00001.
gnomAD v4.1: 4 of 1,613,042 alleles (0.00025%); highest among the groups gnomAD compares: Non-Finnish European, 0.00034%; no homozygotes.

Submissions (2):

Labcorp Genetics (formerly Invitae), Labcorp
Classification: Uncertain significance for Autosomal dominant nocturnal frontal lobe epilepsy 5; Developmental and epileptic encephalopathy, 14. Last evaluated: 2022-11-15. Review status: criteria provided, single submitter. Criteria: Invitae Variant Classification Sherloc (09022015). Collection method: clinical testing. Allele origin: germline.
Comment: In summary, the available evidence is currently insufficient to determine the role of this variant in disease. Therefore, it has been classified as a Variant of Uncertain Significance. Variants that disrupt the consensus splice site are a relatively common cause of aberrant splicing (PMID: 17576681, 9536098). Algorithms developed to predict the effect of sequence changes on RNA splicing suggest that this variant is not likely to affect RNA splicing. This variant has not been reported in the literature in individuals affected with KCNT1-related conditions. This variant is not present in population databases (gnomAD no frequency). This sequence change falls in intron 28 of the KCNT1 gene. It does not directly change the encoded amino acid sequence of the KCNT1 protein. It affects a nucleotide within the consensus splice site.

Blueprint Genetics
Classification: Likely benign. Last evaluated: 2021-10-07. Review status: criteria provided, single submitter. Criteria: ACMG Guidelines, 2015. Collection method: clinical testing. Allele origin: germline.

Literature cited by the submitters: PubMed 17576681 (cited by Labcorp Genetics (formerly Invitae), Labcorp); PubMed 9536098 (cited by Labcorp Genetics (formerly Invitae), Labcorp).

NM_020822.3(KCNT1):c.3177+6C>T

Gene: KCNT1 (potassium sodium-activated channel subfamily T member 1; plus strand). Cytogenetic location: 9q34.3.
Variant type: single nucleotide variant.
Coding change: c.3177+6C>T on transcript NM_020822.3 (MANE Select); 6 bases into the intron after coding-DNA position 3177, C replaced by T.
Molecular consequence: intron variant.
Genome position (GRCh38, 1-based): chr9:135,785,336, C>T. VCF-style: chr9-135785336-C-T. GRCh37 (hg19) VCF-style: chr9-138677182-C-T.
Other names: c.3042+6C>T (NM_001272003.2).
Identifiers: ClinVar variation 2146810 (VCV002146810.5), dbSNP rs2491093517, ClinGen allele CA2580080078.